The following is an entry in ClinVar:

NM_033343.4(LHX4):c.691G>A (p.Val231Ile)

Genes: ACBD6 (acyl-CoA binding domain containing 6; minus strand), LHX4 (LIM homeobox 4; plus strand), LHX4-AS1 (LHX4 antisense RNA 1; minus strand). Cytogenetic location: 1q25.2.
Variant type: single nucleotide variant.
Coding change: c.691G>A on transcript NM_033343.4 (MANE Select); coding-DNA position 691, G replaced by A.
Protein change: p.Val231Ile; replaces valine 231 with isoleucine.
Molecular consequence: missense variant. On other transcripts: non-coding transcript variant (1).
Genome position (GRCh38, 1-based): chr1:180,271,919, G>A. VCF-style: chr1-180271919-G-A. GRCh37 (hg19) VCF-style: chr1-180241054-G-A.
Other names: short protein forms V231I.
Identifiers: ClinVar variation 2970797 (VCV002970797.3), dbSNP rs1309542359, ClinGen allele CA343598648.
Genomic context (GRCh38, chr1:180,271,919, plus strand): 5'-AAAGAGAAACGCCTGAAGAAGGATGCAGGGCGGCACCGCTGGGGGCAGTTCTATAAGAGC[G>A]TCAAGAGGAGCCGGGGCAGCAGCAAGCAGGAGAAGGAGAGCTCTGCAGAGGACTGTGGGG-3'
Protein context (NP_203129.1, residues 221-241): RHRWGQFYKS[Val231Ile]KRSRGSSKQE

ClinVar aggregate classification (germline): Uncertain significance (1 of 4 stars; one submission).

Allele frequency attached by ClinVar (database versions not stated): gnomAD exomes 0.00001; TOPMed 0.00002.
gnomAD v4.1: 9 of 1,613,500 alleles (0.00056%); highest among the groups gnomAD compares: South Asian, 0.0011%; no homozygotes.

Submission:

Labcorp Genetics (formerly Invitae), Labcorp
Classification: Uncertain significance. Last evaluated: 2023-06-27. Review status: criteria provided, single submitter. Criteria: Invitae Variant Classification Sherloc (09022015). Collection method: clinical testing. Allele origin: germline.
Comment: This variant is present in population databases (no rsID available, gnomAD 0.003%). In summary, the available evidence is currently insufficient to determine the role of this variant in disease. Therefore, it has been classified as a Variant of Uncertain Significance. Advanced modeling of protein sequence and biophysical properties (such as structural, functional, and spatial information, amino acid conservation, physicochemical variation, residue mobility, and thermodynamic stability) performed at Invitae indicates that this missense variant is not expected to disrupt LHX4 protein function. This variant has not been reported in the literature in individuals affected with LHX4-related conditions. This sequence change replaces valine, which is neutral and non-polar, with isoleucine, which is neutral and non-polar, at codon 231 of the LHX4 protein (p.Val231Ile).